The following is an entry in ClinVar:

NM_001142800.2(EYS):c.9400del (p.Val3134fs)

Genes: EYS (EGF-like photoreceptor maintenance factor; minus strand), PHF3 (PHD finger protein 3; plus strand). Cytogenetic location: 6q12.
Variant type: Deletion.
Coding change: c.9400del on transcript NM_001142800.2 (MANE Select); coding-DNA position 9400, one base deleted (G; older notation c.9400delG).
Protein change: p.Val3134fs; shifts the reading frame from valine 3134.
Molecular consequence: frameshift variant. On other transcripts: 3 prime UTR variant (5).
Genome position (GRCh38, 1-based): chr6:63,720,631, C deleted on the plus strand (G on the coding strand, the reverse complement: EYS is on the minus strand). VCF-style (leftmost placement, unchanged base first): chr6-63720630-AC-A. GRCh37 (hg19) VCF-style: chr6-64430526-AC-A.
Other names: c.*6923del (NM_001290259.2, NM_001370348.2, NM_001370349.2 and 2 more transcripts); c.9463del, p.Val3155fs (NM_001292009.2); short protein forms V3134fs, V3155fs.
Identifiers: ClinVar variation 283385 (VCV000283385.12), dbSNP rs886042614, ClinGen allele CA10604476.
Genomic context (GRCh38, chr6:63,720,630, plus strand): 5'-TGTGTACTAAAATCTCTAGTGTTAACTTATGTAACCTCATTTTGTTCATCTCCATCATAA[AC>A]ATTGTATCCTTCTAATTTAATTAGTTCAATGTTTTTTGGTTCCTGAAAAAATACAACATC-3'

ClinVar aggregate classification (germline): Pathogenic/Likely pathogenic. Review status: criteria provided, multiple submitters, no conflicts (2 of 4 stars). 2 submissions from 2 submitters: Pathogenic (1); Likely pathogenic (1). Last evaluated 2023-09-01.

Allele frequency attached by ClinVar (database versions not stated): gnomAD exomes below 0.00001.

Submissions (2):

Labcorp Genetics (formerly Invitae), Labcorp
Classification: Pathogenic. Last evaluated: 2023-09-01. Review status: criteria provided, single submitter. Criteria: Invitae Variant Classification Sherloc (09022015). Collection method: clinical testing. Allele origin: germline.
Comment: This sequence change results in a frameshift in the EYS gene (p.Val3134Phefs*51). While this is not anticipated to result in nonsense mediated decay, it is expected to disrupt the last 11 amino acid(s) of the EYS protein and extend the protein by 39 additional amino acid residues. This variant is not present in population databases (gnomAD no frequency). This variant has not been reported in the literature in individuals affected with EYS-related conditions. ClinVar contains an entry for this variant (Variation ID: 283385). This variant disrupts a region of the EYS protein in which other variant(s) (p.Tyr3135*) have been determined to be pathogenic (PMID: 18976725, 30337596). This suggests that this is a clinically significant region of the protein, and that variants that disrupt it are likely to be disease-causing. For these reasons, this variant has been classified as Pathogenic.

Eurofins Ntd Llc (ga)
Classification: Likely pathogenic. Last evaluated: 2015-10-01. Review status: criteria provided, single submitter. Criteria: EGL Classification Definitions 2015. Collection method: clinical testing. Allele origin: germline. Observed: 2 variant alleles, 2 heterozygotes.

Literature cited by the submitters: PubMed 18976725 (cited by Labcorp Genetics (formerly Invitae), Labcorp); PubMed 30337596 (cited by Labcorp Genetics (formerly Invitae), Labcorp).